The following is an entry in ClinVar:

NM_001170629.2(CHD8):c.6116A>G (p.Gln2039Arg)

Gene: CHD8 (chromodomain helicase DNA binding protein 8; minus strand). Cytogenetic location: 14q11.2.
Variant type: single nucleotide variant.
Coding change: c.6116A>G on transcript NM_001170629.2 (MANE Select); coding-DNA position 6116, A replaced by G.
Protein change: p.Gln2039Arg; replaces glutamine 2039 with arginine.
Molecular consequence: missense variant.
Genome position (GRCh38, 1-based): chr14:21,393,679, T>C on the plus strand (A>G on the coding strand, the complement: CHD8 is on the minus strand). VCF-style: chr14-21393679-T-C. GRCh37 (hg19) VCF-style: chr14-21861838-T-C.
Other names: c.5279A>G, p.Gln1760Arg (NM_020920.4); short protein forms Q1760R, Q2039R.
Identifiers: ClinVar variation 4746974 (VCV004746974.1).

ClinVar aggregate classification (germline): Uncertain significance (1 of 4 stars; one submission).

gnomAD v4.1: 1 of 1,613,866 alleles (0.000062%); highest among the groups gnomAD compares: Non-Finnish European, 0.000085%; no homozygotes.

Submission:

Labcorp Genetics (formerly Invitae), Labcorp
Classification: Uncertain significance. Last evaluated: 2025-07-22. Review status: criteria provided, single submitter. Criteria: Invitae Variant Classification Sherloc (09022015). Collection method: clinical testing. Allele origin: germline.
Comment: This sequence change replaces glutamine, which is neutral and polar, with arginine, which is basic and polar, at codon 2039 of the CHD8 protein (p.Gln2039Arg). This variant is not present in population databases (gnomAD no frequency). This variant has not been reported in the literature in individuals affected with CHD8-related conditions. Invitae Evidence Modeling of protein sequence and biophysical properties (such as structural, functional, and spatial information, amino acid conservation, physicochemical variation, residue mobility, and thermodynamic stability) indicates that this missense variant is not expected to disrupt CHD8 protein function with a negative predictive value of 95%. In summary, the available evidence is currently insufficient to determine the role of this variant in disease. Therefore, it has been classified as a Variant of Uncertain Significance.